The following is an entry in ClinVar:

NM_000053.4(ATP7B):c.1059G>C (p.Gln353His)

Gene: ATP7B (ATPase copper transporting beta; minus strand). Cytogenetic location: 13q14.3.
Variant type: single nucleotide variant.
Coding change: c.1059G>C on transcript NM_000053.4 (MANE Select); coding-DNA position 1059, G replaced by C.
Protein change: p.Gln353His; replaces glutamine 353 with histidine.
Molecular consequence: missense variant. On other transcripts: intron variant (2).
Genome position (GRCh38, 1-based): chr13:51,974,161, C>G on the plus strand (G>C on the coding strand, the complement: ATP7B is on the minus strand). VCF-style: chr13-51974161-C-G. GRCh37 (hg19) VCF-style: chr13-52548297-C-G.
Other names: c.1059G>C, p.Gln353His (NM_001406538.1, NM_001406540.1, NM_001406541.1 and 29 more transcripts); c.963G>C, p.Gln321His (NM_001406543.1, NM_001406544.1, NM_001406517.1 and 3 more transcripts); c.803-77G>C (NM_001243182.2); c.707-77G>C (NM_001406539.1); short protein forms Q321H, Q353H.
Identifiers: ClinVar variation 3973874 (VCV003973874.2).
Genomic context (GRCh38, chr13:51,974,161, plus strand): 5'-ACAGGATGCACAGGTCATGCCGGCAATGGCAATCAGAGTGGTACTGCATGTGCCCTGGAC[C>G]TGGTTTCTCGGTGGGGAGCCAGGGGAATGAGAACTGGAAGACCTGTGATCTGTCCCACTC-3'
Protein context (NP_000044.2, residues 343-363): SHSPGSPPRN[Gln353His]VQGTCSTTLI

ClinVar aggregate classification (germline): Uncertain significance. Review status: criteria provided, multiple submitters, no conflicts (2 of 4 stars). 2 submissions from 2 submitters: Uncertain significance (2). Last evaluated 2025-06-17.

Conditions:
Inborn genetic diseases. Identifiers: MedGen C0950123, MeSH D030342.
Wilson disease (WND). Also called: Wilson's disease. Identifiers: Orphanet 905, MedGen C0019202, MONDO:0010200, OMIM 277900. Disease mechanism: loss of function.

Submissions (2):

Color Diagnostics, LLC DBA Color Health
Classification: Uncertain significance for Wilson disease. Last evaluated: 2025-06-17. Review status: criteria provided, single submitter. Criteria: ACMG Guidelines, 2015. Collection method: clinical testing. Allele origin: germline.
Comment: This missense variant replaces glutamine with histidine at codon 353 of the ATP7B protein. Computational prediction suggests that this variant may not impact protein structure and function. To our knowledge, functional studies have not been reported for this variant. This variant has not been reported in individuals affected with ATP7B-related disorders in the literature. This variant has not been identified in the general population by the Genome Aggregation Database (gnomAD). The available evidence is insufficient to determine the role of this variant in disease conclusively. Therefore, this variant is classified as a Variant of Uncertain Significance.

Ambry Genetics
Classification: Uncertain significance for Inborn genetic diseases. Last evaluated: 2025-04-08. Review status: criteria provided, single submitter. Criteria: Ambry Variant Classification Scheme 2023. Collection method: clinical testing. Allele origin: germline.